The following is an entry in ClinVar:

ClinVar aggregate classification (germline): Conflicting classifications of pathogenicity. Review status: criteria provided, conflicting classifications (1 of 4 stars). 4 submissions from 4 submitters: Pathogenic (2); Likely pathogenic (1); Uncertain significance (1). Last evaluated 2023-04-25.

Conditions:
Neurodegeneration with brain iron accumulation 5 (NBIA5). Also called: STATIC ENCEPHALOPATHY OF CHILDHOOD WITH NEURODEGENERATION IN ADULTHOOD; Beta-propeller protein-associated neurodegeneration. Identifiers: Orphanet 329284, MedGen C3550973, MONDO:0010476, OMIM 300894.

Submissions (4):

GeneDx
Classification: Pathogenic. Last evaluated: 2023-04-25. Review status: criteria provided, single submitter. Criteria: GeneDx Variant Classification Process June 2021. Collection method: clinical testing. Allele origin: germline. Affected: yes.
Comment: Not observed at significant frequency in large population cohorts (gnomAD); Intronic +5 splice site variant in a gene for which loss of function is a known mechanism of disease, and both splice predictors and evolutionary conservation support a deleterious effect, although in the absence of functional evidence the actual effect of this sequence change is unknown.; This variant is associated with the following publications: (PMID: Nishimoto2019_CaseReport)

Labcorp Genetics (formerly Invitae), Labcorp
Classification: Uncertain significance for Neurodegeneration with brain iron accumulation 5. Last evaluated: 2021-08-31. Review status: criteria provided, single submitter. Criteria: Invitae Variant Classification Sherloc (09022015). Collection method: clinical testing. Allele origin: germline.

Laboratoire de Génétique Moléculaire, CHU Bordeaux
Classification: Pathogenic for Neurodegeneration with brain iron accumulation 5. Last evaluated: 2020-10-15. Review status: criteria provided, single submitter. Criteria: ACMG Guidelines, 2015. Collection method: clinical testing. Allele origin: germline. Affected: yes.

Department of Genetics, Rouen University Hospital, Normandy Center for Genomic and Personalized Medicine
Classification: Likely pathogenic for Neurodegeneration with brain iron accumulation 5. Last evaluated: 2019-01-21. Review status: criteria provided, single submitter. Criteria: ACMG Guidelines, 2015. Collection method: clinical testing. Allele origin: de novo. Affected: yes.

NM_001029896.2(WDR45):c.827+2dup

Gene: WDR45 (WD repeat domain 45; minus strand). Cytogenetic location: Xp11.23.
Variant type: Duplication.
Coding change: c.827+2dup on transcript NM_001029896.2 (MANE Select); the canonical splice donor site of the intron after coding-DNA position 827, one base duplicated (T; older notation c.827+2dupT).
Molecular consequence: splice donor variant.
Genome position (GRCh38, 1-based): chrX:49,075,362, A duplicated on the plus strand (T on the coding strand, the reverse complement: WDR45 is on the minus strand). VCF-style (leftmost placement, unchanged base first): chrX-49075361-C-CA. GRCh37 (hg19) VCF-style: chrX-48933020-C-CA.
Other names: c.830+2dupT (NM_007075.3); c.830+2dup (NM_007075.4).
Identifiers: ClinVar variation 643548 (VCV000643548.8), dbSNP rs1602537729, ClinGen allele CA915951114.